The following is an entry in ClinVar:

ClinVar aggregate classification (germline): Uncertain significance (1 of 4 stars; one submission).

Submission:

GeneDx
Classification: Uncertain significance. Last evaluated: 2022-04-13. Review status: criteria provided, single submitter. Criteria: GeneDx Variant Classification Process June 2021. Collection method: clinical testing. Allele origin: germline. Affected: yes.
Comment: Not observed at significant frequency in large population cohorts (gnomAD); Frameshift variant predicted to result in protein truncation or nonsense mediated decay in a gene or region of a gene for which loss of function is not a well-established mechanism of disease; Has not been previously published as pathogenic or benign to our knowledge

NM_001379659.1(ZNF142):c.86dup (p.Pro30fs)

Gene: ZNF142 (zinc finger protein 142; minus strand). Cytogenetic location: 2q35.
Variant type: Duplication.
Coding change: c.86dup on transcript NM_001379659.1 (MANE Select); coding-DNA position 86, one base duplicated (C; older notation c.86dupC).
Protein change: p.Pro30fs; shifts the reading frame from proline 30.
Molecular consequence: frameshift variant.
Genome position (GRCh38, 1-based): chr2:218,656,344, G duplicated on the plus strand (C on the coding strand, the reverse complement: ZNF142 is on the minus strand); the first of 6 consecutive G bases (chr2:218,656,344-218,656,349); duplicating any one gives the same sequence. VCF-style (leftmost placement, unchanged base first): chr2-218656343-C-CG. GRCh37 (hg19) VCF-style: chr2-219521066-C-CG.
Other names: c.81dup, p.Pro30Alafs (NM_001105537.5, NM_001366291.3); c.-531dup (NM_001366287.3, NM_001366288.3, NM_001366289.3); c.86dup, p.Pro30fs (NM_001366290.3, NM_001367339.1, NM_001367340.1 and 5 more transcripts); short protein forms P30fs.
Identifiers: ClinVar variation 1712205 (VCV001712205.2), dbSNP rs750522983, ClinGen allele CA2109551.